The following is an entry in ClinVar:

NM_000388.4(CASR):c.2792AGC[3] (p.Gln934del)

Gene: CASR (calcium sensing receptor; plus strand). Cytogenetic location: 3q21.1.
Variant type: Microsatellite.
Coding change: c.2792AGC[3] on transcript NM_000388.4 (MANE Select); three copies in a row of the 3-base unit AGC starting at c.2792; the reference has four copies in a row; one copy, 3 bases deleted.
Protein change: p.Gln934del; deletes glutamine 934.
Molecular consequence: inframe deletion.
Genome position (GRCh38, 1-based): chr3:122,284,755-122,284,757, AGC deleted; deleting any 3 consecutive bases within chr3:122,284,746-122,284,757 gives the same sequence; the position shown is the placement nearest the transcript's 3' end. VCF-style (leftmost placement, unchanged base first): chr3-122284745-AAGC-A. GRCh37 (hg19) VCF-style: chr3-122003592-AAGC-A.
Other names: c.2822AGC[3], p.Gln944del (NM_001178065.2); short protein forms Q934del, Q944del.
Identifiers: ClinVar variation 2451439 (VCV002451439.5), dbSNP rs2473281959, ClinGen allele CA2580616520.

ClinVar aggregate classification (germline): Uncertain significance. Review status: criteria provided, multiple submitters, no conflicts (2 of 4 stars). 2 submissions from 2 submitters: Uncertain significance (2). Last evaluated 2023-05-30.

Conditions:
Nephrolithiasis/nephrocalcinosis. Identifiers: MedGen CN580796.
Familial hypocalciuric hypercalcemia (FHH). Also called: Familial benign hypercalcemia. Identifiers: Orphanet 405, MedGen C1809471, MONDO:0018458.
Autosomal dominant hypocalcemia 1 (HYPOC1). Also called: HYPOCALCEMIA, FAMILIAL. Identifiers: MedGen C3715128, MONDO:0011013, OMIM 601198.

Submissions (2):

Labcorp Genetics (formerly Invitae), Labcorp
Classification: Uncertain significance for Familial hypocalciuric hypercalcemia; Autosomal dominant hypocalcemia 1. Last evaluated: 2023-05-30. Review status: criteria provided, single submitter. Criteria: Invitae Variant Classification Sherloc (09022015). Collection method: clinical testing. Allele origin: germline.
Comment: ClinVar contains an entry for this variant (Variation ID: 2451439). This variant has not been reported in the literature in individuals affected with CASR-related conditions. This variant is not present in population databases (gnomAD no frequency). This variant, c.2801_2803del, results in the deletion of 1 amino acid(s) of the CASR protein (p.Gln934del), but otherwise preserves the integrity of the reading frame. Experimental studies and prediction algorithms are not available or were not evaluated, and the functional significance of this variant is currently unknown. In summary, the available evidence is currently insufficient to determine the role of this variant in disease. Therefore, it has been classified as a Variant of Uncertain Significance.

Ambry Genetics
Classification: Uncertain significance for Nephrolithiasis/nephrocalcinosis. Last evaluated: 2022-11-17. Review status: criteria provided, single submitter. Criteria: Ambry Variant Classification Scheme 2023. Collection method: clinical testing. Allele origin: germline.
Comment: The c.2801_2803delAGC variant (also known as p.Q934del) is located in coding exon 6 of the CASR gene. This variant results from an in-frame AGC deletion at nucleotide positions 2801 to 2803. This results in the in-frame deletion of a glutamine at codon 934. This amino acid position is well conserved in available vertebrate species. In addition, this alteration is predicted to be neutral by in silico analysis (Choi Y et al. PLoS ONE. 2012; 7(10):e46688). Since supporting evidence is limited at this time, the clinical significance of this alteration remains unclear.